The following is an entry in ClinVar:

NM_033087.4(ALG2):c.590A>G (p.Asp197Gly)

Gene: ALG2 (ALG2 alpha-1,3/1,6-mannosyltransferase; minus strand). Cytogenetic location: 9q22.33.
Variant type: single nucleotide variant.
Coding change: c.590A>G on transcript NM_033087.4 (MANE Select); coding-DNA position 590, A replaced by G.
Protein change: p.Asp197Gly; replaces aspartic acid 197 with glycine.
Molecular consequence: missense variant. On other transcripts: non-coding transcript variant (1).
Genome position (GRCh38, 1-based): chr9:99,218,595, T>C on the plus strand (A>G on the coding strand, the complement: ALG2 is on the minus strand). VCF-style: chr9-99218595-T-C. GRCh37 (hg19) VCF-style: chr9-101980877-T-C.
Other names: c.590A>G (NM_033087.3); short protein forms D197G.
Identifiers: ClinVar variation 1714421 (VCV001714421.6), dbSNP rs2490383817, ClinGen allele CA374228733.

ClinVar aggregate classification (germline): Uncertain significance. Review status: criteria provided, multiple submitters, no conflicts (2 of 4 stars). 2 submissions from 2 submitters: Uncertain significance (2). Last evaluated 2024-03-04.

Conditions:
Congenital disorder of glycosylation, type Ii. Also called: CDG Ii; ALG2-congenital disorder of glycosylation; ALG2-CDG. Identifiers: Orphanet 79326, MedGen C1842836, MONDO:0011933, OMIM 607906.
Congenital myasthenic syndrome 14. Also called: Myasthenic syndrome, congenital, 14, with tubular aggregates. Identifiers: Orphanet 353327, Orphanet 590, MedGen C4015597, MONDO:0014543, OMIM 616228.

Submissions (2):

GeneDx
Classification: Uncertain significance. Last evaluated: 2024-03-04. Review status: criteria provided, single submitter. Criteria: GeneDx Variant Classification Process June 2021. Collection method: clinical testing. Allele origin: germline. Affected: yes.
Comment: Not observed at significant frequency in large population cohorts (gnomAD); In silico analysis supports that this missense variant does not alter protein structure/function; Has not been previously published as pathogenic or benign to our knowledge

Labcorp Genetics (formerly Invitae), Labcorp
Classification: Uncertain significance for Congenital disorder of glycosylation, type Ii; Congenital myasthenic syndrome 14. Last evaluated: 2022-07-30. Review status: criteria provided, single submitter. Criteria: Invitae Variant Classification Sherloc (09022015). Collection method: clinical testing. Allele origin: germline.
Comment: This sequence change replaces aspartic acid, which is acidic and polar, with glycine, which is neutral and non-polar, at codon 197 of the ALG2 protein (p.Asp197Gly). This variant is not present in population databases (gnomAD no frequency). This variant has not been reported in the literature in individuals affected with ALG2-related conditions. Algorithms developed to predict the effect of missense changes on protein structure and function (SIFT, PolyPhen-2, Align-GVGD) all suggest that this variant is likely to be tolerated. In summary, the available evidence is currently insufficient to determine the role of this variant in disease. Therefore, it has been classified as a Variant of Uncertain Significance.